The following is an entry in ClinVar:

NM_198506.5(LRIT3):c.1402A>G (p.Lys468Glu)

Gene: LRIT3 (leucine rich repeat, Ig-like and transmembrane domains 3; plus strand). Cytogenetic location: 4q25.
Variant type: single nucleotide variant.
Coding change: c.1402A>G on transcript NM_198506.5 (MANE Select); coding-DNA position 1402, A replaced by G.
Protein change: p.Lys468Glu; replaces lysine 468 with glutamic acid.
Molecular consequence: missense variant.
Genome position (GRCh38, 1-based): chr4:109,870,151, A>G. VCF-style: chr4-109870151-A-G. GRCh37 (hg19) VCF-style: chr4-110791307-A-G.
Other names: short protein forms K468E.
Identifiers: ClinVar variation 1388529 (VCV001388529.6), dbSNP rs182062671, ClinGen allele CA3043180.

ClinVar aggregate classification (germline): Uncertain significance. Review status: criteria provided, multiple submitters, no conflicts (2 of 4 stars). 2 submissions from 2 submitters: Uncertain significance (2). Last evaluated 2023-12-22.

Allele frequency attached by ClinVar (database versions not stated): gnomAD exomes 0.00002 and 0.00004; ExAC 0.00003; gnomAD 0.00005 and 0.00006; TOPMed 0.00008; 1000 Genomes Project 0.00040; 1000 Genomes Project 30x 0.00062.
gnomAD v4.1: 34 of 1,614,238 alleles (0.0021%); highest among the groups gnomAD compares: Admixed American, 0.02%; no homozygotes.

Submissions (2):

Labcorp Genetics (formerly Invitae), Labcorp
Classification: Uncertain significance. Last evaluated: 2023-12-22. Review status: criteria provided, single submitter. Criteria: Invitae Variant Classification Sherloc (09022015). Collection method: clinical testing. Allele origin: germline.
Comment: This sequence change replaces lysine, which is basic and polar, with glutamic acid, which is acidic and polar, at codon 468 of the LRIT3 protein (p.Lys468Glu). This variant is present in population databases (rs182062671, gnomAD 0.03%). This missense change has been observed in individual(s) with clinical features of LRIT3-related conditions (PMID: 32483926). ClinVar contains an entry for this variant (Variation ID: 1388529). Algorithms developed to predict the effect of missense changes on protein structure and function output the following: SIFT: "Not Available"; PolyPhen-2: "Benign"; Align-GVGD: "Not Available". The glutamic acid amino acid residue is found in multiple mammalian species, which suggests that this missense change does not adversely affect protein function. In summary, the available evidence is currently insufficient to determine the role of this variant in disease. Therefore, it has been classified as a Variant of Uncertain Significance.

Blueprint Genetics
Classification: Uncertain significance. Last evaluated: 2022-09-12. Review status: criteria provided, single submitter. Criteria: ACMG Guidelines, 2015. Collection method: clinical testing. Allele origin: germline.

Literature cited by the submitters: PubMed 32483926 (cited by Labcorp Genetics (formerly Invitae), Labcorp).